The following is an entry in ClinVar:

NM_000051.4(ATM):c.5852A>C (p.His1951Pro)

Genes: ATM (ATM serine/threonine kinase; plus strand), C11orf65 (chromosome 11 open reading frame 65; minus strand). Cytogenetic location: 11q22.3.
Variant type: single nucleotide variant.
Coding change: c.5852A>C on transcript NM_000051.4 (MANE Select); coding-DNA position 5852, A replaced by C.
Protein change: p.His1951Pro; replaces histidine 1951 with proline.
Molecular consequence: missense variant. On other transcripts: intron variant (2).
Genome position (GRCh38, 1-based): chr11:108,310,249, A>C. VCF-style: chr11-108310249-A-C. GRCh37 (hg19) VCF-style: chr11-108180976-A-C.
Other names: c.5852A>C, p.His1951Pro (NM_001351834.2); c.641-1178T>G (NM_001330368.2); c.*39-1178T>G (NM_001351110.2); short protein forms H1951P.
Identifiers: ClinVar variation 629143 (VCV000629143.17), dbSNP rs1164569755, ClinGen allele CA382548462.
Genomic context (GRCh38, chr11:108,310,249, plus strand): 5'-CTTTCTGGCTGGATTTAAATTATCTAGAAGTTGCCAAGGTAGCTCAGTCTTGTGCTGCTC[A>C]CTTTACAGCTTTACTCTATGCAGAAATCTATGCAGATAAGAAAAGTATGGATGATCAAGA-3'
Protein context (NP_000042.3, residues 1941-1961): VAKVAQSCAA[His1951Pro]FTALLYAEIY

ClinVar aggregate classification (germline): Uncertain significance. Review status: criteria provided, multiple submitters, no conflicts (2 of 4 stars). 4 submissions from 4 submitters: Uncertain significance (3). 1 of the submissions does not count toward it. Last evaluated 2024-09-24.

Conditions:
Ataxia-telangiectasia syndrome (AT). Also called: Ataxia-telangiectasia, complementation group D; AT, COMPLEMENTATION GROUP C; ATAXIA-TELANGIECTASIA, COMPLEMENTATION GROUP A; ATAXIA-TELANGIECTASIA, FRESNO VARIANT; Ataxia-telangiectasia; LOUIS-BAR SYNDROME. Identifiers: Orphanet 100, MedGen C0004135, MONDO:0008840, OMIM 208900.
Hereditary cancer-predisposing syndrome. Also called: Tumor predisposition; Hereditary neoplastic syndrome; Neoplastic Syndromes, Hereditary; Hereditary Cancer Syndrome. Identifiers: Orphanet 140162, MedGen C0027672, MeSH D009386, MONDO:0015356.

Allele frequency attached by ClinVar (database versions not stated): gnomAD 0.00001; TOPMed 0.00001.
gnomAD v4.1: 2 of 1,613,430 alleles (0.00012%); highest among the groups gnomAD compares: Non-Finnish European, 0.00017%; no homozygotes.

Submissions (4):

Ambry Genetics
Classification: Uncertain significance for Hereditary cancer-predisposing syndrome. Last evaluated: 2024-09-24. Review status: criteria provided, single submitter. Criteria: Ambry Variant Classification Scheme 2023. Collection method: clinical testing. Allele origin: germline.
Comment: The p.H1951P variant (also known as c.5852A>C), located in coding exon 38 of the ATM gene, results from an A to C substitution at nucleotide position 5852. The histidine at codon 1951 is replaced by proline, an amino acid with similar properties. This amino acid position is highly conserved in available vertebrate species. In addition, this alteration is predicted to be deleterious by in silico analysis. Based on the available evidence, the clinical significance of this variant remains unclear.

Labcorp Genetics (formerly Invitae), Labcorp
Classification: Uncertain significance for Ataxia-telangiectasia syndrome. Last evaluated: 2024-08-06. Review status: criteria provided, single submitter. Criteria: Invitae Variant Classification Sherloc (09022015). Collection method: clinical testing. Allele origin: germline.
Comment: This sequence change replaces histidine, which is basic and polar, with proline, which is neutral and non-polar, at codon 1951 of the ATM protein (p.His1951Pro). This variant is present in population databases (no rsID available, gnomAD 0.007%). This variant has not been reported in the literature in individuals affected with ATM-related conditions. ClinVar contains an entry for this variant (Variation ID: 629143). An algorithm developed to predict the effect of missense changes on protein structure and function (PolyPhen-2) suggests that this variant is likely to be disruptive. In summary, the available evidence is currently insufficient to determine the role of this variant in disease. Therefore, it has been classified as a Variant of Uncertain Significance.

Color Diagnostics, LLC DBA Color Health
Classification: Uncertain significance for Hereditary cancer-predisposing syndrome. Last evaluated: 2019-06-22. Review status: criteria provided, single submitter. Criteria: ACMG Guidelines, 2015. Collection method: clinical testing. Allele origin: germline.

Natera, Inc.
Classification: Uncertain significance for Ataxia-telangiectasia. Last evaluated: 2020-07-22. Review status: no assertion criteria provided. Collection method: clinical testing. Allele origin: germline. Not counted in ClinVar's aggregate classification.